The following is an entry in ClinVar:

NM_004370.6(COL12A1):c.7477G>A (p.Glu2493Lys)

Gene: COL12A1 (collagen type XII alpha 1 chain; minus strand). Cytogenetic location: 6q13.
Variant type: single nucleotide variant.
Coding change: c.7477G>A on transcript NM_004370.6 (MANE Select); coding-DNA position 7477, G replaced by A.
Protein change: p.Glu2493Lys; replaces glutamic acid 2493 with lysine.
Molecular consequence: missense variant.
Genome position (GRCh38, 1-based): chr6:75,117,424, C>T on the plus strand (G>A on the coding strand, the complement: COL12A1 is on the minus strand). VCF-style: chr6-75117424-C-T. GRCh37 (hg19) VCF-style: chr6-75827140-C-T.
Other names: c.3985G>A, p.Glu1329Lys (NM_080645.3); short protein forms E2493K, E1329K.
Identifiers: ClinVar variation 393184 (VCV000393184.12), dbSNP rs372985511, ClinGen allele CA3892555.

ClinVar aggregate classification (germline): Conflicting classifications of pathogenicity. Review status: criteria provided, conflicting classifications (1 of 4 stars). 3 submissions from 3 submitters: Uncertain significance (2); Likely benign (1). Last evaluated 2025-12-23.

Conditions:
Inborn genetic diseases. Identifiers: MedGen C0950123, MeSH D030342.
Ullrich congenital muscular dystrophy 2 (UCMD2). Identifiers: Orphanet 75840, MedGen C4225314, MONDO:0014654, OMIM 616470.
Bethlem myopathy 2 (BTHLM2). Identifiers: Orphanet 536516, Orphanet 610, MedGen C4225313, MONDO:0034022, OMIM 616471.

Allele frequency attached by ClinVar (database versions not stated): gnomAD exomes below 0.00001 and 0.00001; ExAC 0.00001; gnomAD 0.00001 and 0.00002; ESP Exome Variant Server 0.00008.

Submissions (3):

Labcorp Genetics (formerly Invitae), Labcorp
Classification: Likely benign for Bethlem myopathy 2; Ullrich congenital muscular dystrophy 2. Last evaluated: 2025-12-23. Review status: criteria provided, single submitter. Criteria: Invitae Variant Classification Sherloc (09022015). Collection method: clinical testing. Allele origin: germline.

Ambry Genetics
Classification: Uncertain significance for Inborn genetic diseases. Last evaluated: 2025-08-23. Review status: criteria provided, single submitter. Criteria: Ambry Variant Classification Scheme 2023. Collection method: clinical testing. Allele origin: germline.

GeneDx
Classification: Uncertain significance. Last evaluated: 2017-02-07. Review status: criteria provided, single submitter. Criteria: GeneDx Variant Classification (06012015). Collection method: clinical testing. Allele origin: germline. Affected: yes.
Comment: The E2493K variant in the COL12A1 gene has not been reported previously as a pathogenic variant, nor as a benign variant, to our knowledge. The E2493K variant is not observed at a significant frequency in large population cohorts (Lek et al., 2016; 1000 Genomes Consortium et al., 2015; Exome Variant Server). The E2493K variant is a non-conservative amino acid substitution, which is likely to impact secondary protein structure as these residues differ in polarity, charge, size and/or other properties. This substitution occurs at a position that is conserved in mammals. However, in silico analysis is inconsistent in its predictions as to whether or not the variant is damaging to the protein structure/function. We interpret E2493K as a variant of uncertain significance.